The following is an entry in ClinVar:

ClinVar aggregate classification (germline): Uncertain significance. Review status: criteria provided, single submitter (1 of 4 stars). 2 submissions from 2 submitters: Uncertain significance (1). 1 of the submissions does not count toward it. Last evaluated 2026-04-21.

Conditions:
PROK2-related disorder. Also called: PROK2-related condition.

gnomAD v4.1: 52 of 1,611,750 alleles (0.0032%); highest among the groups gnomAD compares: Admixed American, 0.0067%; no homozygotes.

Submissions (2):

Women's Health and Genetics/Laboratory Corporation of America, LabCorp
Classification: Uncertain significance. Last evaluated: 2026-04-21. Review status: criteria provided, single submitter. Criteria: LabCorp Variant Classification Summary - May 2015. Collection method: clinical testing. Allele origin: germline.
Comment: Variant summary: PROK2 c.116A>G (p.Gln39Arg) results in a conservative amino acid change in the encoded protein sequence. Algorithms developed to predict the effect of missense changes on protein structure and function are either unavailable or do not agree on the potential impact of this missense change. The variant allele was found at a frequency of 2.8e-05 in 251464 control chromosomes. The available data on variant occurrences in the general population are insufficient to allow any conclusion about variant significance. To our knowledge, no occurrence of c.116A>G in individuals affected with PROK2-related conditions and no experimental evidence demonstrating its impact on protein function have been reported. ClinVar contains an entry for this variant (Variation ID: 3350405). Based on the evidence outlined above, the variant was classified as uncertain significance.

PreventionGenetics, part of Exact Sciences
Classification: Uncertain significance for PROK2-related condition. Last evaluated: 2024-08-30. Review status: no assertion criteria provided. Collection method: clinical testing. Allele origin: germline. Not counted in ClinVar's aggregate classification.
Comment: The PROK2 c.116A>G variant is predicted to result in the amino acid substitution p.Gln39Arg. To our knowledge, this variant has not been reported in the literature. This variant is reported in 0.0077% of alleles in individuals of European (Non-Finnish) descent in gnomAD. At this time, the clinical significance of this variant is uncertain due to the absence of conclusive functional and genetic evidence.

NM_001126128.2(PROK2):c.116A>G (p.Gln39Arg)

Gene: PROK2 (prokineticin 2; minus strand). Cytogenetic location: 3p13.
Variant type: single nucleotide variant.
Coding change: c.116A>G on transcript NM_001126128.2 (MANE Select); coding-DNA position 116, A replaced by G.
Protein change: p.Gln39Arg; replaces glutamine 39 with arginine.
Molecular consequence: missense variant.
Genome position (GRCh38, 1-based): chr3:71,781,573, T>C on the plus strand (A>G on the coding strand, the complement: PROK2 is on the minus strand). VCF-style: chr3-71781573-T-C. GRCh37 (hg19) VCF-style: chr3-71830724-T-C.
Other names: c.116A>G, p.Gln39Arg (NM_021935.4); short protein forms Q39R.
Identifiers: ClinVar variation 3350405 (VCV003350405.2).